The following is an entry in ClinVar:

NM_178857.6(RP1L1):c.2798G>T (p.Gly933Val)

Gene: RP1L1 (RP1 like 1). Cytogenetic location: 8p23.1.
Variant type: single nucleotide variant.
Coding change: c.2798G>T on transcript NM_178857.6 (MANE Select); coding-DNA position 2798, G replaced by T.
Protein change: p.Gly933Val; replaces glycine 933 with valine.
Molecular consequence: missense variant.
Genome position (GRCh38, 1-based): chr8:10,611,300, C>A on the plus strand (G>T on the coding strand, the complement: RP1L1 is on the minus strand). VCF-style: chr8-10611300-C-A. GRCh37 (hg19) VCF-style: chr8-10468810-C-A.
Other names: short protein forms G933V.
Identifiers: ClinVar variation 4072584 (VCV004072584.1).

ClinVar aggregate classification (germline): Uncertain significance (1 of 4 stars; one submission).

gnomAD v4.1: 4 of 1,612,830 alleles (0.00025%); highest among the groups gnomAD compares: Non-Finnish European, 0.00034%; no homozygotes.

Submission:

GeneDx
Classification: Uncertain significance. Last evaluated: 2025-01-30. Review status: criteria provided, single submitter. Criteria: GeneDx Variant Classification Process June 2021. Collection method: clinical testing. Allele origin: germline. Affected: yes.
Comment: Not observed at significant frequency in large population cohorts (gnomAD); In silico analysis indicates that this missense variant does not alter protein structure/function; Has not been previously published as pathogenic or benign to our knowledge